The following is an entry in ClinVar:

NM_000166.6(GJB1):c.668G>A (p.Arg223His)

Gene: GJB1 (gap junction protein beta 1; plus strand). Cytogenetic location: Xq13.1.
Variant type: single nucleotide variant.
Coding change: c.668G>A on transcript NM_000166.6 (MANE Select); coding-DNA position 668, G replaced by A.
Protein change: p.Arg223His; replaces arginine 223 with histidine.
Molecular consequence: missense variant.
Genome position (GRCh38, 1-based): chrX:71,224,375, G>A. VCF-style: chrX-71224375-G-A. GRCh37 (hg19) VCF-style: chrX-70444225-G-A.
Other names: c.668G>A, p.Arg223His (NM_001097642.3); short protein forms R223H.
Identifiers: ClinVar variation 1176310 (VCV001176310.36), dbSNP rs1218391757, ClinGen allele CA413503465.
Genomic context (GRCh38, chrX:71,224,375, plus strand): 5'-TCCTCAATGTGGCCGAGGTGGTGTACCTCATCATCCGGGCCTGTGCCCGCCGAGCCCAGC[G>A]CCGCTCCAATCCACCTTCCCGCAAGGGCTCGGGCTTCGGCCACCGCCTCTCACCTGAATA-3'
Protein context (NP_000157.1, residues 213-233): IIRACARRAQ[Arg223His]RSNPPSRKGS

ClinVar aggregate classification (germline): Uncertain significance. Review status: criteria provided, multiple submitters, no conflicts (2 of 4 stars). 2 submissions from 2 submitters: Uncertain significance (2). Last evaluated 2023-06-16.

Conditions:
Charcot-Marie-Tooth Neuropathy X. Identifiers: MedGen CN118851.

Allele frequency attached by ClinVar (database versions not stated): gnomAD exomes 0.00001; TOPMed 0.00002.
gnomAD v4.1: 6 of 1,210,126 alleles (0.0005%); highest among the groups gnomAD compares: African/African-American, 0.0017%; no homozygotes.

Submissions (2):

Labcorp Genetics (formerly Invitae), Labcorp
Classification: Uncertain significance for Charcot-Marie-Tooth Neuropathy X. Last evaluated: 2023-06-16. Review status: criteria provided, single submitter. Criteria: Invitae Variant Classification Sherloc (09022015). Collection method: clinical testing. Allele origin: germline.
Comment: This variant has not been reported in the literature in individuals affected with GJB1-related conditions. In summary, the available evidence is currently insufficient to determine the role of this variant in disease. Therefore, it has been classified as a Variant of Uncertain Significance. Advanced modeling of protein sequence and biophysical properties (such as structural, functional, and spatial information, amino acid conservation, physicochemical variation, residue mobility, and thermodynamic stability) performed at Invitae indicates that this missense variant is not expected to disrupt GJB1 protein function. ClinVar contains an entry for this variant (Variation ID: 1176310). This variant is present in population databases (no rsID available, gnomAD 0.01%). This sequence change replaces arginine, which is basic and polar, with histidine, which is basic and polar, at codon 223 of the GJB1 protein (p.Arg223His).

CeGaT Center for Human Genetics Tuebingen
Classification: Uncertain significance. Last evaluated: 2021-06-01. Review status: criteria provided, single submitter. Criteria: CeGaT Center For Human Genetics Tuebingen Variant Classification Criteria Version 2. Collection method: clinical testing. Allele origin: germline. Affected: yes. Observed: 1 variant allele.